The following is an entry in ClinVar:

NM_182894.3(VSX2):c.602C>A (p.Ala201Asp)

Gene: VSX2 (visual system homeobox 2; plus strand). Cytogenetic location: 14q24.3.
Variant type: single nucleotide variant.
Coding change: c.602C>A on transcript NM_182894.3 (MANE Select); coding-DNA position 602, C replaced by A.
Protein change: p.Ala201Asp; replaces alanine 201 with aspartic acid.
Molecular consequence: missense variant.
Genome position (GRCh38, 1-based): chr14:74,259,624, C>A. VCF-style: chr14-74259624-C-A. GRCh37 (hg19) VCF-style: chr14-74726327-C-A.
Other names: short protein forms A201D.
Identifiers: ClinVar variation 3341298 (VCV003341298.1).

ClinVar aggregate classification (germline): Uncertain significance (1 of 4 stars; one submission).

Conditions:
Microphthalmia, isolated, with coloboma 3 (MCOPCB3). Also called: MICROPHTHALMIA/COLOBOMA 3; MICROPHTHALMIA, COLOBOMATOUS, 3. Identifiers: Orphanet 98938, MedGen C1864721, MONDO:0012408, OMIM 610092.

Submission:

Neuberg Centre For Genomic Medicine, NCGM
Classification: Uncertain significance for Microphthalmia, isolated, with coloboma 3. Last evaluated: 2023-05-20. Review status: criteria provided, single submitter. Criteria: ACMG Guidelines, 2015. Collection method: clinical testing. Allele origin: germline. Inheritance: Autosomal recessive inheritance. Affected: yes.
Comment: The observed missense c.602C>A(p.Ala201Asp) variant in VSX2 gene has not been reported previously as a pathogenic variant nor a benign variant, to our knowledge. The p.Ala201Asp variant is absent in gnomAD Exomes. This variant has not been submitted to the ClinVar database. Multiple lines of computational evidences (Polyphen - Probably damaging , SIFT - Damaging and MutationTaster - Disease causing) predict a damaging effect on protein structure and function for this variant. The amino acid change p.Ala201Asp in VSX2 is predicted as conserved by GERP++ and PhyloP across 100 vertebrates. The amino acid Ala at position 201 is changed to a Asp changing protein sequence and it might alter its composition and physico-chemical properties. For these reasons, this variant has been classified as a Variant of Uncertain Significance (VUS).